The following is an entry in ClinVar:

ClinVar aggregate classification (germline): Uncertain significance. Review status: criteria provided, multiple submitters, no conflicts (2 of 4 stars). 2 submissions from 2 submitters: Uncertain significance (2). Last evaluated 2025-08-19.

Conditions:
Hereditary cancer-predisposing syndrome. Also called: Tumor predisposition; Neoplastic Syndromes, Hereditary; Hereditary neoplastic syndrome; Hereditary Cancer Syndrome. Identifiers: Orphanet 140162, MedGen C0027672, MeSH D009386, MONDO:0015356.

Allele frequency attached by ClinVar (database versions not stated): gnomAD exomes below 0.00001 and 0.00001; ExAC 0.00002.
gnomAD v4.1: 2 of 1,601,356 alleles (0.00012%); highest among the groups gnomAD compares: South Asian, 0.0011%; no homozygotes.

Submissions (2):

Ambry Genetics
Classification: Uncertain significance for Hereditary cancer-predisposing syndrome. Last evaluated: 2025-08-19. Review status: criteria provided, single submitter. Criteria: Ambry Variant Classification Scheme 2023. Collection method: clinical testing. Allele origin: germline.
Comment: The p.R83H variant (also known as c.248G>A), located in coding exon 3 of the RAD50 gene, results from a G to A substitution at nucleotide position 248. The arginine at codon 83 is replaced by histidine, an amino acid with highly similar properties. This amino acid position is conserved. In addition, the in silico prediction for this alteration is inconclusive. Since supporting evidence is limited at this time, the clinical significance of this alteration remains unclear.

Labcorp Genetics (formerly Invitae), Labcorp
Classification: Uncertain significance for Hereditary cancer-predisposing syndrome. Last evaluated: 2025-01-06. Review status: criteria provided, single submitter. Criteria: Invitae Variant Classification Sherloc (09022015). Collection method: clinical testing. Allele origin: germline.
Comment: This sequence change replaces arginine, which is basic and polar, with histidine, which is basic and polar, at codon 83 of the RAD50 protein (p.Arg83His). This variant is present in population databases (rs751320530, gnomAD 0.006%). This missense change has been observed in individual(s) with Nijmegen breakage syndrome-like disorder (PMID: 37794136). In at least one individual the data is consistent with being in trans (on the opposite chromosome) from a pathogenic variant. ClinVar contains an entry for this variant (Variation ID: 1515661). Invitae Evidence Modeling of protein sequence and biophysical properties (such as structural, functional, and spatial information, amino acid conservation, physicochemical variation, residue mobility, and thermodynamic stability) indicates that this missense variant is expected to disrupt RAD50 protein function with a positive predictive value of 80%. Experimental studies have shown that this missense change affects RAD50 function (PMID: 37794136). In summary, the available evidence is currently insufficient to determine the role of this variant in disease. Therefore, it has been classified as a Variant of Uncertain Significance.

Literature cited by the submitters: PubMed 37794136 (cited by Labcorp Genetics (formerly Invitae), Labcorp).

NM_005732.4(RAD50):c.248G>A (p.Arg83His)

Gene: RAD50 (RAD50 double strand break repair protein; plus strand). Cytogenetic location: 5q31.1.
Variant type: single nucleotide variant.
Coding change: c.248G>A on transcript NM_005732.4 (MANE Select); coding-DNA position 248, G replaced by A.
Protein change: p.Arg83His; replaces arginine 83 with histidine.
Molecular consequence: missense variant.
Genome position (GRCh38, 1-based): chr5:132,575,811, G>A. VCF-style: chr5-132575811-G-A. GRCh37 (hg19) VCF-style: chr5-131911503-G-A.
Other names: c.248G>A (NM_005732.3); short protein forms R83H.
Identifiers: ClinVar variation 1515661 (VCV001515661.10), dbSNP rs751320530, ClinGen allele CA3404945.